The following is an entry in ClinVar:

NM_198578.4(LRRK2):c.3565C>G (p.Pro1189Ala)

Gene: LRRK2 (leucine rich repeat kinase 2; plus strand). Cytogenetic location: 12q12.
Variant type: single nucleotide variant.
Coding change: c.3565C>G on transcript NM_198578.4 (MANE Select); coding-DNA position 3565, C replaced by G.
Protein change: p.Pro1189Ala; replaces proline 1189 with alanine.
Molecular consequence: missense variant.
Genome position (GRCh38, 1-based): chr12:40,302,857, C>G. VCF-style: chr12-40302857-C-G. GRCh37 (hg19) VCF-style: chr12-40696659-C-G.
Other names: short protein forms P1189A.
Identifiers: ClinVar variation 1732737 (VCV001732737.2), dbSNP rs1371146393, ClinGen allele CA384416449.

ClinVar aggregate classification (germline): Uncertain significance (1 of 4 stars; one submission).

Conditions:
Inborn genetic diseases. Identifiers: MedGen C0950123, MeSH D030342.

Submission:

Ambry Genetics
Classification: Uncertain significance for Inborn genetic diseases. Last evaluated: 2022-04-19. Review status: criteria provided, single submitter. Criteria: Ambry Variant Classification Scheme 2023. Collection method: clinical testing. Allele origin: germline.
Comment: The p.P1189A variant (also known as c.3565C>G), located in coding exon 26 of the LRRK2 gene, results from a C to G substitution at nucleotide position 3565. The proline at codon 1189 is replaced by alanine, an amino acid with highly similar properties. This amino acid position is conserved. In addition, the in silico prediction for this alteration is inconclusive. Since supporting evidence is limited at this time, the clinical significance of this alteration remains unclear.